The following is an entry in ClinVar:

NM_000384.3(APOB):c.7655A>G (p.Asp2552Gly)

Gene: APOB (apolipoprotein B; minus strand). Cytogenetic location: 2p24.1.
Variant type: single nucleotide variant.
Coding change: c.7655A>G on transcript NM_000384.3 (MANE Select); coding-DNA position 7655, A replaced by G.
Protein change: p.Asp2552Gly; replaces aspartic acid 2552 with glycine.
Molecular consequence: missense variant.
Genome position (GRCh38, 1-based): chr2:21,009,213, T>C on the plus strand (A>G on the coding strand, the complement: APOB is on the minus strand). VCF-style: chr2-21009213-T-C. GRCh37 (hg19) VCF-style: chr2-21232085-T-C.
Other names: short protein forms D2552G.
Identifiers: ClinVar variation 334124 (VCV000334124.19), dbSNP rs779100523, ClinGen allele CA064629.

ClinVar aggregate classification (germline): Conflicting classifications of pathogenicity. Review status: criteria provided, conflicting classifications (1 of 4 stars). 7 submissions from 6 submitters: Uncertain significance (6); Likely benign (1). Last evaluated 2025-09-14.

Conditions:
Hypercholesterolemia, autosomal dominant, type B (FHCL2). Also called: Familial hypercholesterolemia 2; Familial Hypercholesterolemia Type B; APOLIPOPROTEIN B-100, FAMILIAL DEFECTIVE; APOLIPOPROTEIN B-100, FAMILIAL LIGAND-DEFECTIVE; HYPERCHOLESTEROLEMIA, FAMILIAL, DUE TO LIGAND-DEFECTIVE APOLIPOPROTEIN B; APOB-Related Familial Hypercholesterolemia, Autosomal Dominant. Identifiers: MedGen C1704417, MONDO:0007751, OMIM 144010.
Familial hypobetalipoproteinemia 1. Also called: Hypobetalipoproteinemia, normotriglyceridemic; Acanthocytosis with hypobetalipoproteinemia; APOB-Related Familial Hypobetalipoproteinemia. Identifiers: MedGen C4551990, MONDO:0014252, OMIM 615558.
Cardiovascular phenotype. Identifiers: MedGen CN230736.

Allele frequency attached by ClinVar (database versions not stated): ExAC 0.00002; gnomAD exomes 0.00003; gnomAD 0.00005; TOPMed 0.00006.
gnomAD v4.1: 128 of 1,613,936 alleles (0.0079%); highest among the groups gnomAD compares: Non-Finnish European, 0.011%; no homozygotes.

Submissions (7):

Labcorp Genetics (formerly Invitae), Labcorp
Classification: Likely benign for Familial hypobetalipoproteinemia 1; Hypercholesterolemia, autosomal dominant, type B. Last evaluated: 2025-09-14. Review status: criteria provided, single submitter. Criteria: Invitae Variant Classification Sherloc (09022015). Collection method: clinical testing. Allele origin: germline.

Quest Diagnostics Nichols Institute San Juan Capistrano
Classification: Uncertain significance. Last evaluated: 2025-06-05. Review status: criteria provided, single submitter. Criteria: Quest Diagnostics criteria. Collection method: clinical testing. Allele origin: unknown.
Comment: The APOB c.7655A>G (p.Asp2552Gly) variant has not been reported in individuals with APOB-related conditions in the published literature. The frequency of this variant in the general population (Genome Aggregation Database) is uninformative in the assessment of its pathogenicity. Analysis of this variant using bioinformatics tools for the prediction of the effect of amino acid changes on protein structure and function yielded predictions that this variant is benign. Based on the available information, we are unable to determine the clinical significance of this variant.

Ambry Genetics
Classification: Uncertain significance for Cardiovascular phenotype. Last evaluated: 2025-01-17. Review status: criteria provided, single submitter. Criteria: Ambry Variant Classification Scheme 2023. Collection method: clinical testing. Allele origin: germline.

GeneDx
Classification: Uncertain significance. Last evaluated: 2023-01-31. Review status: criteria provided, single submitter. Criteria: GeneDx Variant Classification Process June 2021. Collection method: clinical testing. Allele origin: germline. Affected: yes.
Comment: In silico analysis supports that this missense variant has a deleterious effect on protein structure/function; Has not been previously published as pathogenic or benign to our knowledge

Fulgent Genetics
Classification: Uncertain significance for Hypercholesterolemia, autosomal dominant, type B; Familial hypobetalipoproteinemia 1. Last evaluated: 2021-09-03. Review status: criteria provided, single submitter. Criteria: ACMG Guidelines, 2015. Collection method: clinical testing. Allele origin: unknown.

Illumina Laboratory Services, Illumina
Classification: Uncertain significance for Hypercholesterolemia, autosomal dominant, type B. Last evaluated: 2018-01-13. Review status: criteria provided, single submitter. Criteria: ICSL Variant Classification Criteria 13 December 2019. Collection method: clinical testing. Allele origin: germline.

Illumina Laboratory Services, Illumina
Classification: Uncertain significance for Familial hypobetalipoproteinemia 1. Last evaluated: 2018-01-13. Review status: criteria provided, single submitter. Criteria: ICSL Variant Classification Criteria 13 December 2019. Collection method: clinical testing. Allele origin: germline.